The following is an entry in ClinVar:

NM_000138.5(FBN1):c.4358C>A (p.Pro1453Gln)

Gene: FBN1 (fibrillin 1; minus strand). Cytogenetic location: 15q21.1.
Variant type: single nucleotide variant.
Coding change: c.4358C>A on transcript NM_000138.5 (MANE Select); coding-DNA position 4358, C replaced by A.
Protein change: p.Pro1453Gln; replaces proline 1453 with glutamine.
Molecular consequence: missense variant.
Genome position (GRCh38, 1-based): chr15:48,470,735, G>T on the plus strand (C>A on the coding strand, the complement: FBN1 is on the minus strand). VCF-style: chr15-48470735-G-T. GRCh37 (hg19) VCF-style: chr15-48762932-G-T.
Other names: c.4358C>A, p.Pro1453Gln (NM_001406716.1); short protein forms P1453Q.
Identifiers: ClinVar variation 2948092 (VCV002948092.3), dbSNP rs368650399, ClinGen allele CA392354741.

ClinVar aggregate classification (germline): Uncertain significance (1 of 4 stars; one submission).

Conditions:
Marfan syndrome (MFS). Also called: MARFAN SYNDROME, TYPE I; Marfan syndrome type 1; Marfan's syndrome; Marfan syndrome, classic; FBN1-Related Marfan Syndrome. Identifiers: Orphanet 284963, Orphanet 558, MedGen C0024796, MONDO:0007947, OMIM 154700.
Familial thoracic aortic aneurysm and aortic dissection (TAAD). Also called: Thoracic aortic aneurysms and dissections. Identifiers: Orphanet 91387, MedGen C4707243, MONDO:0019625.

Submission:

Labcorp Genetics (formerly Invitae), Labcorp
Classification: Uncertain significance for Marfan syndrome; Familial thoracic aortic aneurysm and aortic dissection. Last evaluated: 2023-05-22. Review status: criteria provided, single submitter. Criteria: Invitae Variant Classification Sherloc (09022015). Collection method: clinical testing. Allele origin: germline.
Comment: This sequence change replaces proline, which is neutral and non-polar, with glutamine, which is neutral and polar, at codon 1453 of the FBN1 protein (p.Pro1453Gln). This variant is not present in population databases (gnomAD no frequency). This variant has not been reported in the literature in individuals affected with FBN1-related conditions. Advanced modeling of protein sequence and biophysical properties (such as structural, functional, and spatial information, amino acid conservation, physicochemical variation, residue mobility, and thermodynamic stability) performed at Invitae indicates that this missense variant is not expected to disrupt FBN1 protein function. In summary, the available evidence is currently insufficient to determine the role of this variant in disease. Therefore, it has been classified as a Variant of Uncertain Significance.